The following is an entry in ClinVar:

NM_021072.4(HCN1):c.92_103dup (p.Ala34_Ala35insGlyProAlaAla)

Gene: HCN1 (hyperpolarization activated cyclic nucleotide gated potassium channel 1; minus strand). Cytogenetic location: 5p12.
Variant type: Duplication.
Coding change: c.92_103dup on transcript NM_021072.4 (MANE Select); coding-DNA positions 92 to 103, 12 bases duplicated (GGCCGGCCGCGG).
Protein change: p.Ala34_Ala35insGlyProAlaAla.
Genome position (GRCh38, 1-based): chr5:45,695,991-45,696,002, CCGCGGCCGGCC duplicated on the plus strand (GGCCGGCCGCGG on the coding strand, the reverse complement: HCN1 is on the minus strand); duplicating any 12 consecutive bases within chr5:45,695,991-45,696,007 gives the same sequence; the c. name uses the placement nearest the transcript's 3' end. VCF-style (leftmost placement, unchanged base first): chr5-45695990-G-GCCGCGGCCGGCC. GRCh37 (hg19) VCF-style: chr5-45696092-G-GCCGCGGCCGGCC.
Identifiers: ClinVar variation 4686811 (VCV004686811.2).

ClinVar aggregate classification (germline): Uncertain significance (1 of 4 stars; one submission).

Submission:

GeneDx
Classification: Uncertain significance. Last evaluated: 2026-04-14. Review status: criteria provided, single submitter. Criteria: GeneDx Variant Classification Process June 2021. Collection method: clinical testing. Allele origin: germline.
Comment: Not observed at significant frequency in large population cohorts (gnomAD); In-frame duplication of 4 amino acid(s) in a non-repeat region; Has not been previously published as pathogenic or benign to our knowledge